The following is an entry in ClinVar:

NM_001197104.2(KMT2A):c.4105A>G (p.Asn1369Asp)

Gene: KMT2A (lysine methyltransferase 2A; plus strand). Cytogenetic location: 11q23.3.
Variant type: single nucleotide variant.
Coding change: c.4105A>G on transcript NM_001197104.2 (MANE Select); coding-DNA position 4105, A replaced by G.
Protein change: p.Asn1369Asp; replaces asparagine 1369 with aspartic acid.
Molecular consequence: missense variant.
Genome position (GRCh38, 1-based): chr11:118,484,201, A>G. VCF-style: chr11-118484201-A-G. GRCh37 (hg19) VCF-style: chr11-118354916-A-G.
Other names: c.4204A>G, p.Asn1402Asp (NM_001412597.1); c.4105A>G, p.Asn1369Asp (NM_005933.4); short protein forms N1369D, N1402D.
Identifiers: ClinVar variation 3632933 (VCV003632933.2).
Genomic context (GRCh38, chr11:118,484,201, plus strand): 5'-TAGGGTGTGATTTTGTTCTATATTCATCTTTTGTCTCCTTAGGAAAAACCACCTCCGGTC[A>G]ATAAGCAGGAGAATGCAGGCACTTTGAACATCCTCAGCACTCTCTCCAATGGCAATAGTT-3'
Protein context (NP_001184033.1, residues 1359-1379): PKEKEKPPPV[Asn1369Asp]KQENAGTLNI

ClinVar aggregate classification (germline): Uncertain significance (1 of 4 stars; one submission).

Submission:

Labcorp Genetics (formerly Invitae), Labcorp
Classification: Uncertain significance. Last evaluated: 2024-12-18. Review status: criteria provided, single submitter. Criteria: Invitae Variant Classification Sherloc (09022015). Collection method: clinical testing. Allele origin: germline.
Comment: This sequence change replaces asparagine, which is neutral and polar, with aspartic acid, which is acidic and polar, at codon 1369 of the KMT2A protein (p.Asn1369Asp). This variant is not present in population databases (gnomAD no frequency). This variant has not been reported in the literature in individuals affected with KMT2A-related conditions. Invitae Evidence Modeling of protein sequence and biophysical properties (such as structural, functional, and spatial information, amino acid conservation, physicochemical variation, residue mobility, and thermodynamic stability) indicates that this missense variant is not expected to disrupt KMT2A protein function with a negative predictive value of 95%. In summary, the available evidence is currently insufficient to determine the role of this variant in disease. Therefore, it has been classified as a Variant of Uncertain Significance.